The following is an entry in ClinVar:

NM_021072.4(HCN1):c.701A>G (p.Tyr234Cys)

Gene: HCN1 (hyperpolarization activated cyclic nucleotide gated potassium channel 1; minus strand). Cytogenetic location: 5p12.
Variant type: single nucleotide variant.
Coding change: c.701A>G on transcript NM_021072.4 (MANE Select); coding-DNA position 701, A replaced by G.
Protein change: p.Tyr234Cys; replaces tyrosine 234 with cysteine.
Molecular consequence: missense variant.
Genome position (GRCh38, 1-based): chr5:45,645,333, T>C on the plus strand (A>G on the coding strand, the complement: HCN1 is on the minus strand). VCF-style: chr5-45645333-T-C. GRCh37 (hg19) VCF-style: chr5-45645435-T-C.
Other names: c.701A>G (NM_021072.3); short protein forms Y234C.
Identifiers: ClinVar variation 3366984 (VCV003366984.3).

ClinVar aggregate classification (germline): Conflicting classifications of pathogenicity. Review status: criteria provided, conflicting classifications (1 of 4 stars). 3 submissions from 3 submitters: Likely pathogenic (1); Uncertain significance (2). Last evaluated 2026-03-13.

Conditions:
Generalized epilepsy with febrile seizures plus, type 10. Also called: GEFS+, TYPE 10. Identifiers: MedGen C5193120, MONDO:0032777, OMIM 618482.
Developmental and epileptic encephalopathy, 24 (DEE24). Also called: Epileptic encephalopathy, early infantile, 24. Identifiers: Orphanet 442835, MedGen C4014531, MONDO:0014377, OMIM 615871.

Submissions (3):

Victorian Clinical Genetics Services, Murdoch Childrens Research Institute
Classification: Uncertain significance for Generalized epilepsy with febrile seizures plus, type 10. Last evaluated: 2026-03-13. Review status: criteria provided, single submitter. Criteria: ACMG Guidelines, 2015. Collection method: clinical testing. Allele origin: germline. Affected: yes.
Comment: This variant is classified as VUS-3A. Evidence in support of pathogenic classification: Variant is absent from gnomAD (v2, v3 and v4); Another missense variant comparable to the one identified in this case has limited previous evidence for pathogenicity. p.(Tyr234Phe) has been classified once as pathogenic in ClinVar; Missense variant predicted to be damaging by in silico tool(s) or highly conserved with a major amino acid change. Additional information: Variant is predicted to result in a missense amino acid change from Tyr to Cys; This variant is heterozygous; This gene is associated with autosomal dominant disease. Variants associated with the severe phenotype tend to cluster within or close to the transmembrane domain, while variants associated with milder phenotypes tend to be located outside the transmembrane domain (PMID: 30351409); Previous reports of pathogenicity for this variant are conflicting. This variant has been classified as likely pathogenic and VUS by clinical laboratories in ClinVar; No published evidence of segregation with disease has been identified for this variant; No published functional evidence has been identified for this variant; Variant is located in the annotated ion transport protein (DECIPHER); Gain of function is a known mechanism of disease in this gene and is associated with developmental and epileptic encephalopathy 24 (MIM#615871). The mechanism of disease in generalised epilepsy with febrile seizures plus, type 10 (MIM#618482) remains unestablished, with both gain and loss of function effects reported for different missense variants (OMIM, PMIDs: 30351409, 37265603); The condition associated with this gene has incomplete penetrance. Incomplete penetrance has been described for generalized epilepsy with febrile seizures plus, type 10 (MIM#618482) (OMIM); Variants in this gene are known to have variable expressivity. Variable severity and expressivity has been described for generalised epilepsy with febrile seizures plus, type 10 (MIM#618482) (OMIM).

GeneDx
Classification: Uncertain significance. Last evaluated: 2025-02-26. Review status: criteria provided, single submitter. Criteria: GeneDx Variant Classification Process June 2021. Collection method: clinical testing. Allele origin: germline. Affected: yes.
Comment: Not observed at significant frequency in large population cohorts (gnomAD); In silico analysis supports that this missense variant has a deleterious effect on protein structure/function; Has not been previously published as pathogenic or benign to our knowledge

Institute of Immunology and Genetics Kaiserslautern
Classification: Likely pathogenic for Developmental and epileptic encephalopathy, 24; Generalized epilepsy with febrile seizures plus, type 10. Last evaluated: 2022-06-21. Review status: criteria provided, single submitter. Criteria: ACMG Guidelines, 2015. Collection method: clinical testing. Allele origin: germline. Affected: yes.
Comment: ACMG Criteria: PM2, PM5, PP2, PP3; Variant was found in heterozygous state.

Literature cited by the submitters: PubMed 30351409 (cited by Victorian Clinical Genetics Services, Murdoch Childrens Research Institute); PubMed 37265603 (cited by Victorian Clinical Genetics Services, Murdoch Childrens Research Institute).